The following is an entry in ClinVar:

NM_001282717.2(STAG3):c.1312C>T (p.Arg438Ter)

Gene: STAG3 (STAG3 cohesin complex component; plus strand). Cytogenetic location: 7q22.1.
Variant type: single nucleotide variant.
Coding change: c.1312C>T on transcript NM_001282717.2 (MANE Select); coding-DNA position 1312, C replaced by T.
Protein change: p.Arg438Ter; replaces arginine 438 with a stop codon.
Molecular consequence: nonsense.
Genome position (GRCh38, 1-based): chr7:100,198,542, C>T. VCF-style: chr7-100198542-C-T. GRCh37 (hg19) VCF-style: chr7-99796165-C-T.
Other names: c.1312C>T, p.Arg438Ter (NM_001282716.1, NM_001375438.1, NM_012447.4); c.1138C>T, p.Arg380Ter (NM_001282718.2); short protein forms R438*, R380*.
Identifiers: ClinVar variation 617740 (VCV000617740.3), dbSNP rs751680143, ClinGen allele CA4378406.

ClinVar aggregate classification (germline): Likely pathogenic. Review status: criteria provided, single submitter (1 of 4 stars). 2 submissions from 2 submitters: Likely pathogenic (1). 1 of the submissions does not count toward it. Last evaluated 2019-01-31.

Conditions:
Spermatogenic failure 61 (SPGF61). Identifiers: MedGen C5562048, MONDO:0030507, OMIM 619672.
Spermatogenesis maturation arrest. Identifiers: MedGen C4477100, HP:0031038.
Non-obstructive azoospermia. Identifiers: MedGen C4021107, HP:0011961.

Allele frequency attached by ClinVar (database versions not stated): gnomAD 0.00001 and 0.00002; TOPMed 0.00002; ExAC 0.00003; gnomAD exomes 0.00003.
gnomAD v4.1: 65 of 1,614,004 alleles (0.004%); highest among the groups gnomAD compares: Non-Finnish European, 0.0053%; no homozygotes.

Submissions (2):

Institute of Reproductive Genetics, University of Münster
Classification: Likely pathogenic for Spermatogenesis maturation arrest; Non-obstructive azoospermia. Last evaluated: 2019-01-31. Review status: criteria provided, single submitter. Criteria: ACMG Guidelines, 2015. Collection method: research. Allele origin: maternal. Inheritance: Autosomal recessive inheritance. Affected: yes. Observed: 1 compound heterozygote.
Comment: In silico prediction and in vitro experiments support pathogenicity of the compound heterozygous variants in this case (detailed in the manuscript). According to the 2015 ACMG guidelines, both variants are classified as likely pathogenic.

OMIM
Classification: Pathogenic for SPERMATOGENIC FAILURE 61. Last evaluated: 2021-12-20. Review status: no assertion criteria provided. Collection method: literature only. Allele origin: germline. Not counted in ClinVar's aggregate classification.

Literature cited by the submitters: PubMed 31682730 (cited by OMIM).